The following is an entry in ClinVar:

NM_138694.4(PKHD1):c.4002_4003del (p.Asn1335fs)

Gene: PKHD1 (PKHD1 ciliary IPT domain containing fibrocystin/polyductin; minus strand). Cytogenetic location: 6p12.2.
Variant type: Deletion.
Coding change: c.4002_4003del on transcript NM_138694.4 (MANE Select); coding-DNA positions 4002 to 4003, 2 bases deleted (GA; older notation c.4002_4003delGA).
Protein change: p.Asn1335fs; shifts the reading frame from asparagine 1335.
Molecular consequence: frameshift variant.
Genome position (GRCh38, 1-based): chr6:52,025,807-52,025,808, TC deleted on the plus strand (GA on the coding strand, the reverse complement: PKHD1 is on the minus strand). VCF-style (leftmost placement, unchanged base first): chr6-52025806-TTC-T. GRCh37 (hg19) VCF-style: chr6-51890604-TTC-T.
Other names: c.4002_4003del, p.Asn1335fs (NM_170724.3); short protein forms N1335fs.
Identifiers: ClinVar variation 1724701 (VCV001724701.2), dbSNP rs2532728490, ClinGen allele CA2580075453.

ClinVar aggregate classification (germline): Likely pathogenic (1 of 4 stars; one submission).

Conditions:
Polycystic kidney disease 4 (PKD4). Also called: POLYCYSTIC KIDNEY AND HEPATIC DISEASE 1; POLYCYSTIC KIDNEY DISEASE, INFANTILE, TYPE I; POLYCYSTIC KIDNEY DISEASE 4 WITH OR WITHOUT POLYCYSTIC LIVER DISEASE; PKD3; Autosomal Recessive Polycystic Kidney Disease – PKHD1. Identifiers: MedGen C4540575, MONDO:0033004, OMIM 263200.

Submission:

Myriad Genetics, Inc.
Classification: Likely pathogenic for Polycystic kidney disease 4. Last evaluated: 2022-02-25. Review status: criteria provided, single submitter. Criteria: Myriad Women's Health Autosomal Recessive and X-Linked Classification Criteria (2021). Collection method: clinical testing. Allele origin: unknown.
Comment: NM_138694.3(PKHD1):c.4002_4003delGA(N1335Lfs*2) is expected to be pathogenic in the context of autosomal recessive polycystic kidney disease, PKHD1-related. This variant is predicted to lead to an abnormal or absent protein product due to the creation of a premature termination codon in PKHD1, a gene where loss-of-function variants are known to be pathogenic. Please note: this variant was assessed in the context of healthy population screening.